The following is an entry in ClinVar:

NM_006206.6(PDGFRA):c.278C>A (p.Ala93Asp)

Gene: PDGFRA (platelet derived growth factor receptor alpha; plus strand). Cytogenetic location: 4q12.
Variant type: single nucleotide variant.
Coding change: c.278C>A on transcript NM_006206.6 (MANE Select); coding-DNA position 278, C replaced by A.
Protein change: p.Ala93Asp; replaces alanine 93 with aspartic acid.
Molecular consequence: missense variant.
Genome position (GRCh38, 1-based): chr4:54,261,323, C>A. VCF-style: chr4-54261323-C-A. GRCh37 (hg19) VCF-style: chr4-55127490-C-A.
Other names: c.278C>A, p.Ala93Asp (NM_001347827.2, NM_001347829.2); c.353C>A, p.Ala118Asp (NM_001347828.2); c.317C>A, p.Ala106Asp (NM_001347830.2); short protein forms A106D, A118D, A93D.
Identifiers: ClinVar variation 1025421 (VCV001025421.17), dbSNP rs752669159, ClinGen allele CA356888760.

ClinVar aggregate classification (germline): Uncertain significance (1 of 4 stars; one submission).

Conditions:
Gastrointestinal stromal tumor. Also called: Gastrointestinal stromal tumor, somatic; Gastrointestinal stroma tumor. Identifiers: Orphanet 44890, MedGen C0238198, MeSH D046152, MONDO:0011719, OMIM 606764, HP:0100723.

Submission:

Labcorp Genetics (formerly Invitae), Labcorp
Classification: Uncertain significance for Gastrointestinal stromal tumor. Last evaluated: 2022-10-05. Review status: criteria provided, single submitter. Criteria: Invitae Variant Classification Sherloc (09022015). Collection method: clinical testing. Allele origin: germline.
Comment: This sequence change replaces alanine, which is neutral and non-polar, with aspartic acid, which is acidic and polar, at codon 93 of the PDGFRA protein (p.Ala93Asp). This variant is not present in population databases (gnomAD no frequency). This variant has not been reported in the literature in individuals affected with PDGFRA-related conditions. ClinVar contains an entry for this variant (Variation ID: 1025421). Advanced modeling of protein sequence and biophysical properties (such as structural, functional, and spatial information, amino acid conservation, physicochemical variation, residue mobility, and thermodynamic stability) performed at Invitae indicates that this missense variant is not expected to disrupt PDGFRA protein function. In summary, the available evidence is currently insufficient to determine the role of this variant in disease. Therefore, it has been classified as a Variant of Uncertain Significance.